The following is an entry in ClinVar:

NM_003611.3(OFD1):c.2270G>C (p.Arg757Thr)

Gene: OFD1 (OFD1 centriole and centriolar satellite protein; plus strand). Cytogenetic location: Xp22.2.
Variant type: single nucleotide variant.
Coding change: c.2270G>C on transcript NM_003611.3 (MANE Select); coding-DNA position 2270, G replaced by C.
Protein change: p.Arg757Thr; replaces arginine 757 with threonine.
Molecular consequence: missense variant.
Genome position (GRCh38, 1-based): chrX:13,761,094, G>C. VCF-style: chrX-13761094-G-C. GRCh37 (hg19) VCF-style: chrX-13779213-G-C.
Other names: c.2150G>C, p.Arg717Thr (NM_001330209.2); c.1850G>C, p.Arg617Thr (NM_001330210.2); short protein forms R757T, R717T, R617T.
Identifiers: ClinVar variation 2447627 (VCV002447627.7), dbSNP rs1329019794, ClinGen allele CA412344885.

ClinVar aggregate classification (germline): Conflicting classifications of pathogenicity. Review status: criteria provided, conflicting classifications (1 of 4 stars). 4 submissions from 4 submitters: Uncertain significance (3); Likely benign (1). Last evaluated 2025-03-31.

Conditions:
Joubert syndrome 10 (JBTS10). Identifiers: Orphanet 2754, MedGen C2749019, MONDO:0010431, OMIM 300804.
Primary ciliary dyskinesia. Also called: Ciliary dyskinesia. Identifiers: Orphanet 244, MedGen C0008780, MONDO:0016575, HP:0012265.
Orofaciodigital syndrome I (OFD1). Also called: Papillon-Leage and Psaume Syndrome; Oral-Facial-Digital Syndrome Type I; OFDS I. Identifiers: Orphanet 2750, MedGen C1510460, MONDO:0010702, OMIM 311200.
Joubert syndrome. Also called: Familial aplasia of the vermis; JOUBERT-BOLTSHAUSER SYNDROME. Identifiers: Orphanet 475, MedGen C5979921, MONDO:0018772.

Allele frequency attached by ClinVar (database versions not stated): gnomAD exomes 0.00002.
gnomAD v4.1: 17 of 1,211,383 alleles (0.0014%); highest among the groups gnomAD compares: Non-Finnish European, 0.0019%; no homozygotes.

Submissions (4):

Labcorp Genetics (formerly Invitae), Labcorp
Classification: Uncertain significance for Orofaciodigital syndrome I; Joubert syndrome. Last evaluated: 2025-03-31. Review status: criteria provided, single submitter. Criteria: Invitae Variant Classification Sherloc (09022015). Collection method: clinical testing. Allele origin: germline.
Comment: This sequence change replaces arginine, which is basic and polar, with threonine, which is neutral and polar, at codon 757 of the OFD1 protein (p.Arg757Thr). This variant is present in population databases (no rsID available, gnomAD 0.001%). This variant has not been reported in the literature in individuals affected with OFD1-related conditions. ClinVar contains an entry for this variant (Variation ID: 2447627). Invitae Evidence Modeling of protein sequence and biophysical properties (such as structural, functional, and spatial information, amino acid conservation, physicochemical variation, residue mobility, and thermodynamic stability) indicates that this missense variant is not expected to disrupt OFD1 protein function with a negative predictive value of 80%. In summary, the available evidence is currently insufficient to determine the role of this variant in disease. Therefore, it has been classified as a Variant of Uncertain Significance.

Victorian Clinical Genetics Services, Murdoch Childrens Research Institute
Classification: Uncertain significance for Joubert syndrome 10. Last evaluated: 2023-07-17. Review status: criteria provided, single submitter. Criteria: ACMG Guidelines, 2015. Collection method: clinical testing. Allele origin: germline. Inheritance: X-linked recessive inheritance. Affected: yes.
Comment: Based on the classification scheme VCGS_Germline_v1.3.4, this variant is classified as VUS-3B. Following criteria are met: 0102 - Loss of function is a known mechanism of disease in this gene and is associated with Joubert syndrome 10 (MIM#300804), Simpson-Golabi-Behmel syndrome, type 2 (MIM#300209) and Orofaciodigital syndrome I (MIM#311200). The mechanism of retinitis pigmentosa 23, (MIM#300424) is unclear. (I) 0108 - This gene is associated with both recessive and dominant disease. Most conditions associated with this gene are X-linked recessive, however orofaciodigital syndrome I (MIM#311200) is X-linked dominant. (I) 0115 - Variants in this gene are known to have variable expressivity. The same variants have been associated with several OFD1-related conditions and are known to have intra- and interfamilial variability (PMIDs: 31373179; 23033313). (I) 0200 - Variant is predicted to result in a missense amino acid change from arginine to threonine. (I) 0253 - This variant is hemizygous. (I) 0304 - Variant is present in gnomAD (v2) <0.01 (1 heterozygote, 0 homozygotes, 0 hemizygotes). (SP) 0502 - Missense variant with conflicting in silico predictions and uninformative conservation. (I) 0604 - Variant is not located in an established domain, motif, hotspot or informative constraint region. (I) 0705 - No comparable missense variants have previous evidence for pathogenicity. (I) 0807 - This variant has no previous evidence of pathogenicity. (I) 0905 - No published segregation evidence has been identified for this variant. (I) 1007 - No published functional evidence has been identified for this variant. (I) Legend: (SP) - Supporting pathogenic, (I) - Information, (SB) - Supporting benign

Ambry Genetics
Classification: Uncertain significance for Primary ciliary dyskinesia. Last evaluated: 2023-03-03. Review status: criteria provided, single submitter. Criteria: Ambry Variant Classification Scheme 2023. Collection method: clinical testing. Allele origin: germline.
Comment: The p.R757T variant (also known as c.2270G>C), located in coding exon 17 of the OFD1 gene, results from a G to C substitution at nucleotide position 2270. The arginine at codon 757 is replaced by threonine, an amino acid with similar properties. This amino acid position is conserved. In addition, this alteration is predicted to be tolerated by in silico analysis. Since supporting evidence is limited at this time, the clinical significance of this alteration remains unclear.

Blueprint Genetics
Classification: Likely benign. Last evaluated: 2022-11-30. Review status: criteria provided, single submitter. Criteria: ACMG Guidelines, 2015. Collection method: clinical testing. Allele origin: germline.

Literature cited by the submitters: PubMed 23033313 (cited by Victorian Clinical Genetics Services, Murdoch Childrens Research Institute); PubMed 31373179 (cited by Victorian Clinical Genetics Services, Murdoch Childrens Research Institute).